The following is an entry in ClinVar:

ClinVar aggregate classification (germline): Benign/Likely benign. Review status: criteria provided, multiple submitters, no conflicts (2 of 4 stars). 4 submissions from 4 submitters: Benign (1); Likely benign (2). 1 of the submissions does not count toward it. Last evaluated 2025-12-26.

Conditions:
Kabuki syndrome. Also called: NIIKAWA-KUROKI SYNDROME; Kabuki make-up syndrome. Identifiers: Orphanet 2322, MedGen C0796004, MONDO:0016512.
KMT2D-related disorder. Also called: KMT2D-Related Disorders.

Allele frequency attached by ClinVar (database versions not stated): ExAC 0.00003; gnomAD 0.00003; TOPMed 0.00004; gnomAD exomes 0.00006; 1000 Genomes Project 30x 0.00016; 1000 Genomes Project 0.00020.

Submissions (4):

Women's Health and Genetics/Laboratory Corporation of America, LabCorp
Classification: Likely benign. Last evaluated: 2025-12-26. Review status: criteria provided, single submitter. Criteria: LabCorp Variant Classification Summary - May 2015. Collection method: clinical testing. Allele origin: germline.
Comment: Variant summary: KMT2D c.3294G>T (p.Met1098Ile) results in a conservative amino acid change in the encoded protein sequence. Algorithms developed to predict the effect of missense changes on protein structure and function all suggest that this variant is likely to be tolerated. The variant allele was found at a frequency of 2.9e-05 in 242632 control chromosomes (gnomAD). To our knowledge, no occurrence of c.3294G>T in individuals affected with KMT2D-related conditions and no experimental evidence demonstrating its impact on protein function have been reported. ClinVar contains an entry for this variant (Variation ID: 2672501). Based on the evidence outlined above, the variant was classified as likely benign.

Labcorp Genetics (formerly Invitae), Labcorp
Classification: Benign for Kabuki syndrome. Last evaluated: 2025-12-19. Review status: criteria provided, single submitter. Criteria: Invitae Variant Classification Sherloc (09022015). Collection method: clinical testing. Allele origin: germline.

CeGaT Center for Human Genetics Tuebingen
Classification: Likely benign. Last evaluated: 2024-02-01. Review status: criteria provided, single submitter. Criteria: CeGaT Center For Human Genetics Tuebingen Variant Classification Criteria Version 2. Collection method: clinical testing. Allele origin: germline. Affected: yes. Observed: 2 variant alleles.
Comment: KMT2D: BP4

PreventionGenetics, part of Exact Sciences
Classification: Uncertain significance for KMT2D-related condition. Last evaluated: 2024-06-04. Review status: no assertion criteria provided. Collection method: clinical testing. Allele origin: germline. Not counted in ClinVar's aggregate classification.
Comment: The KMT2D c.3294G>T variant is predicted to result in the amino acid substitution p.Met1098Ile. To our knowledge, this variant has not been reported in the literature in individuals with KMT2D-related disorders. This variant is reported in 0.0055% of alleles in individuals of European (Non-Finnish) descent in gnomAD. At this time, the clinical significance of this variant is uncertain due to the absence of conclusive functional and genetic evidence.

NM_003482.4(KMT2D):c.3294G>T (p.Met1098Ile)

Gene: KMT2D (lysine methyltransferase 2D; minus strand). Cytogenetic location: 12q13.12.
Variant type: single nucleotide variant.
Coding change: c.3294G>T on transcript NM_003482.4 (MANE Select); coding-DNA position 3294, G replaced by T.
Protein change: p.Met1098Ile; replaces methionine 1098 with isoleucine.
Molecular consequence: missense variant.
Genome position (GRCh38, 1-based): chr12:49,050,294, C>A on the plus strand (G>T on the coding strand, the complement: KMT2D is on the minus strand). VCF-style: chr12-49050294-C-A. GRCh37 (hg19) VCF-style: chr12-49444077-C-A.
Other names: short protein forms M1098I.
Identifiers: ClinVar variation 2672501 (VCV002672501.27), dbSNP rs201982630, ClinGen allele CA6548083.